The following is an entry in ClinVar:

NM_001035.3(RYR2):c.4160+10T>C

Genes: RYR2 (ryanodine receptor 2; plus strand), LOC126806067 (BRD4-independent group 4 enhancer GRCh37_chr1:237753258-237754457; plus strand). Cytogenetic location: 1q43.
Variant type: single nucleotide variant.
Coding change: c.4160+10T>C on transcript NM_001035.3 (MANE Select); 10 bases into the intron after coding-DNA position 4160, T replaced by C.
Molecular consequence: intron variant.
Genome position (GRCh38, 1-based): chr1:237,591,002, T>C. VCF-style: chr1-237591002-T-C. GRCh37 (hg19) VCF-style: chr1-237754302-T-C.
Identifiers: ClinVar variation 43780 (VCV000043780.15), dbSNP rs397516530, ClinGen allele CA009470.

ClinVar aggregate classification (germline): Likely benign. Review status: criteria provided, multiple submitters, no conflicts (2 of 4 stars). 3 submissions from 3 submitters: Likely benign (3). Last evaluated 2024-06-30.

Conditions:
Catecholaminergic polymorphic ventricular tachycardia 1. Also called: VENTRICULAR TACHYCARDIA, CATECHOLAMINERGIC POLYMORPHIC, 1, WITH OR WITHOUT ATRIAL DYSFUNCTION AND/OR DILATED CARDIOMYOPATHY; VENTRICULAR TACHYCARDIA, STRESS-INDUCED POLYMORPHIC 1; RYR2-Related Catecholaminergic Polymorphic Ventricular Tachycardia. Identifiers: Orphanet 3286, MedGen C1631597, MONDO:0011484, OMIM 604772.

Allele frequency attached by ClinVar (database versions not stated): gnomAD exomes below 0.00001.
gnomAD v4.1: 3 of 1,598,658 alleles (0.00019%); highest among the groups gnomAD compares: Non-Finnish European, 0.00026%; no homozygotes.

Submissions (3):

Labcorp Genetics (formerly Invitae), Labcorp
Classification: Likely benign for Catecholaminergic polymorphic ventricular tachycardia 1. Last evaluated: 2024-06-30. Review status: criteria provided, single submitter. Criteria: Invitae Variant Classification Sherloc (09022015). Collection method: clinical testing. Allele origin: germline.

Blueprint Genetics
Classification: Likely benign. Last evaluated: 2023-04-04. Review status: criteria provided, single submitter. Criteria: ACMG Guidelines, 2015. Collection method: clinical testing. Allele origin: germline.

Laboratory for Molecular Medicine, Mass General Brigham Personalized Medicine
Classification: Likely benign. Last evaluated: 2011-12-21. Review status: criteria provided, single submitter. Criteria: LMM Criteria. Collection method: clinical testing. Allele origin: germline. Observed: 1 variant allele.
Comment: 4160+10T>C in intron 31 of RYR2: This variant is not expected to have clinical s ignificance because it is not located within the splice consensus sequence. 416 0+10T>C in intron 31 of RYR2 (allele frequency = n/a)